The following is an entry in ClinVar:

NM_001130987.2(DYSF):c.1002G>A (p.Arg334=)

Gene: DYSF (dysferlin; plus strand). Cytogenetic location: 2p13.2.
Variant type: single nucleotide variant.
Coding change: c.1002G>A on transcript NM_001130987.2 (MANE Select); coding-DNA position 1002, G replaced by A.
Protein change: p.Arg334=; no amino-acid change (arginine 334 retained).
Molecular consequence: synonymous variant.
Genome position (GRCh38, 1-based): chr2:71,517,039, G>A. VCF-style: chr2-71517039-G-A. GRCh37 (hg19) VCF-style: chr2-71744169-G-A.
Other names: c.909G>A, p.Arg303= (NM_001130455.2, NM_001130983.2, NM_001130984.2 and 1 more transcripts); c.906G>A, p.Arg302= (NM_001130976.2, NM_001130977.2, NM_001130978.2 and 1 more transcripts); c.999G>A, p.Arg333= (NM_001130979.2, NM_001130980.2, NM_001130981.2); c.1002G>A, p.Arg334= (NM_001130982.2, NM_001130985.2).
Identifiers: ClinVar variation 3370654 (VCV003370654.2).

ClinVar aggregate classification (germline): Uncertain significance (1 of 4 stars; one submission).

Submission:

GeneDx
Classification: Uncertain significance. Last evaluated: 2025-02-11. Review status: criteria provided, single submitter. Criteria: GeneDx Variant Classification Process June 2021. Collection method: clinical testing. Allele origin: germline. Affected: yes.
Comment: Not observed at significant frequency in large population cohorts (gnomAD); In silico analysis, which includes splice predictors and evolutionary conservation, suggests this variant may damage or destroy the splice donor site and impact gene splicing. In the absence of RNA/functional studies, the actual effect of this sequence change is unknown; Has not been previously published as pathogenic or benign to our knowledge; This variant is associated with the following publications: (PMID: 24438169)